The following is an entry in ClinVar:

NM_000203.5(IDUA):c.793-9C>T

Gene: IDUA (alpha-L-iduronidase; plus strand). Cytogenetic location: 4p16.3.
Variant type: single nucleotide variant.
Coding change: c.793-9C>T on transcript NM_000203.5 (MANE Select); 9 bases into the intron before coding-DNA position 793, C replaced by T.
Molecular consequence: intron variant.
Genome position (GRCh38, 1-based): chr4:1,001,973, C>T. VCF-style: chr4-1001973-C-T. GRCh37 (hg19) VCF-style: chr4-995761-C-T.
Other names: c.397-9C>T (NM_001363576.1).
Identifiers: ClinVar variation 350225 (VCV000350225.20), dbSNP rs375798875, ClinGen allele CA2802094.

ClinVar aggregate classification (germline): Conflicting classifications of pathogenicity. Review status: criteria provided, conflicting classifications (1 of 4 stars). 6 submissions from 6 submitters: Uncertain significance (1); Likely benign (4). 1 of the submissions does not count toward it. Last evaluated 2026-01-22.

Conditions:
Mucopolysaccharidosis type 1. Also called: Mucopolysaccharidosis Type I; IDUA deficiency; MPS I. Identifiers: Orphanet 579, MedGen C0023786, MONDO:0001586.

Allele frequency attached by ClinVar (database versions not stated): ESP Exome Variant Server 0.00016; TOPMed 0.00033.
gnomAD v4.1: 689 of 1,577,302 alleles (0.044%); highest among the groups gnomAD compares: Non-Finnish European, 0.051%; no homozygotes.

Submissions (6):

Labcorp Genetics (formerly Invitae), Labcorp
Classification: Likely benign for Mucopolysaccharidosis type 1. Last evaluated: 2026-01-22. Review status: criteria provided, single submitter. Criteria: Invitae Variant Classification Sherloc (09022015). Collection method: clinical testing. Allele origin: germline.

Women's Health and Genetics/Laboratory Corporation of America, LabCorp
Classification: Likely benign. Last evaluated: 2025-06-16. Review status: criteria provided, single submitter. Criteria: LabCorp Variant Classification Summary - May 2015. Collection method: clinical testing. Allele origin: germline.

Blueprint Genetics
Classification: Likely benign. Last evaluated: 2024-09-19. Review status: criteria provided, single submitter. Criteria: ACMG Guidelines, 2015. Collection method: clinical testing. Allele origin: germline.

Broad Center for Mendelian Genomics, Broad Institute of MIT and Harvard
Classification: Likely benign for Mucopolysaccharidosis type 1. Last evaluated: 2020-01-13. Review status: criteria provided, single submitter. Criteria: ACMG Guidelines, 2015. Collection method: curation. Allele origin: germline. Inheritance: Autosomal recessive inheritance.
Comment: The c.793-9C>T variant in IDUA has not been previously reported in individuals with mucopolysaccharidosis but has been Identified in 0.080% (16/19890) of European (Finnish) chromosomes in the Genome Aggregation Database (gnomAD; dbSNP rs375798875). Although this variant has been seen in the general population, its frequency is not high enough to rule out a pathogenic role. This variant has also been reported in ClinVar (VariationID: 350225) as a VUS by Illumina Clinical Services Laboratory and as likely benign by Invitae. Computational prediction tools, including splice predictors, and conservation analyses suggest that this variant may not impact the protein, though this information is not predictive enough to rule out pathogenicity. In summary, although additional studies are required to fully establish its clinical significance, this variant is likely benign. ACMG/AMP Criteria applied: BP4, BP7 (Richards 2015).

Illumina Laboratory Services, Illumina
Classification: Uncertain significance for Mucopolysaccharidosis type 1. Last evaluated: 2018-01-13. Review status: criteria provided, single submitter. Criteria: ICSL Variant Classification Criteria 13 December 2019. Collection method: clinical testing. Allele origin: germline.

Natera, Inc.
Classification: Likely benign for Mucopolysaccharidosis type I. Last evaluated: 2020-09-16. Review status: no assertion criteria provided. Collection method: clinical testing. Allele origin: germline. Not counted in ClinVar's aggregate classification.